The following is an entry in ClinVar:

ClinVar aggregate classification (germline): Likely benign (1 of 4 stars; one submission).

gnomAD v4.1: 11 of 1,609,462 alleles (0.00068%); highest among the groups gnomAD compares: East Asian, 0.0022%; no homozygotes.

Submission:

CeGaT Center for Human Genetics Tuebingen
Classification: Likely benign. Last evaluated: 2024-11-01. Review status: criteria provided, single submitter. Criteria: CeGaT Center For Human Genetics Tuebingen Variant Classification Criteria Version 2. Collection method: clinical testing. Allele origin: germline. Affected: yes. Observed: 1 variant allele.
Comment: PUF60: BP4, BP7

NM_078480.3(PUF60):c.522C>T (p.Phe174=)

Gene: PUF60 (poly(U) binding splicing factor 60; minus strand). Cytogenetic location: 8q24.3.
Variant type: single nucleotide variant.
Coding change: c.522C>T on transcript NM_078480.3 (MANE Select); coding-DNA position 522, C replaced by T.
Protein change: p.Phe174=; no amino-acid change (phenylalanine 174 retained).
Molecular consequence: synonymous variant.
Genome position (GRCh38, 1-based): chr8:143,818,274, G>A on the plus strand (C>T on the coding strand, the complement: PUF60 is on the minus strand). VCF-style: chr8-143818274-G-A. GRCh37 (hg19) VCF-style: chr8-144900444-G-A.
Other names: c.393C>T, p.Phe131= (NM_001136033.3); c.468C>T, p.Phe156= (NM_001271096.2); c.384C>T, p.Phe128= (NM_001271097.2); c.519C>T, p.Phe173= (NM_001271098.2); c.435C>T, p.Phe145= (NM_001271099.2); c.342C>T, p.Phe114= (NM_001271100.2); c.633C>T, p.Phe211= (NM_001362895.2, NM_001362896.2); c.582C>T, p.Phe194= (NM_001362897.2); and 1 more.
Identifiers: ClinVar variation 3389200 (VCV003389200.14).
Genomic context (GRCh38, chr8:143,818,274, plus strand): 5'-CATCACCGAGTTCATCTGCTCCAAGGCCAGCTGTGCAGCTTCGGGGACCTCATACTCCAC[G>A]AAGGCAAAGCCCTAGACACAGGGACACACCTGTCAGGCTGCGCGAGCCCAGGGGTGGGGG-3'
Protein context (NP_510965.1, residues 164-184): SVTMKHKGFA[Phe174=]VEYEVPEAAQ